The following is an entry in ClinVar:

ClinVar aggregate classification (germline): Uncertain significance (1 of 4 stars; one submission).

Conditions:
Malignant hyperthermia, susceptibility to, 1 (MHS1). Also called: Anesthesia related hyperthermia; Malignant hyperpyrexia; Fulminating hyperpyrexia; Pharmacogenic myopathy; RYR1-Related Malignant Hyperthermia Susceptibility; Malignant hyperthermia suceptibility 1. Identifiers: Orphanet 423, MedGen C2930980, MONDO:0007783, OMIM 145600.

Submission:

All of Us Research Program, National Institutes of Health
Classification: Uncertain significance for Malignant hyperthermia, susceptibility to, 1. Last evaluated: 2024-02-05. Review status: criteria provided, single submitter. Criteria: ACMG Guidelines, 2015. Collection method: clinical testing. Allele origin: germline. Inheritance: Autosomal dominant inheritance. Observed: 1 variant allele, 1 heterozygote.
Comment: This missense variant replaces histidine with aspartic acid at codon 1251 of the RYR1 protein. Computational prediction is inconclusive regarding the impact of this variant on protein structure and function (internally defined REVEL score threshold 0.5 < inconclusive < 0.7, PMID: 27666373). To our knowledge, functional studies have not been reported for this variant. This variant has not been reported in individuals affected with RYR1-related disorders in the literature. This variant has not been identified in the general population by the Genome Aggregation Database (gnomAD). The available evidence is insufficient to determine the role of this variant in disease conclusively. Therefore, this variant is classified as a Variant of Uncertain Significance.

This study involves interpretation of variants in research participants for the purpose of population health screening. Participant phenotype was not available at the time of variant classification. Additional details can be found in publication PMID: 35346344, PMCID: PMC8962531

NM_000540.3(RYR1):c.3751C>G (p.His1251Asp)

Gene: RYR1 (ryanodine receptor 1; plus strand). Cytogenetic location: 19q13.2.
Variant type: single nucleotide variant.
Coding change: c.3751C>G on transcript NM_000540.3 (MANE Select); coding-DNA position 3751, C replaced by G.
Protein change: p.His1251Asp; replaces histidine 1251 with aspartic acid.
Molecular consequence: missense variant.
Genome position (GRCh38, 1-based): chr19:38,469,499, C>G. VCF-style: chr19-38469499-C-G. GRCh37 (hg19) VCF-style: chr19-38960139-C-G.
Other names: c.3751C>G, p.His1251Asp (NM_001042723.2); short protein forms H1251D.
Identifiers: ClinVar variation 3075489 (VCV003075489.1), dbSNP rs943777976, ClinGen allele CA405639879.